The following is an entry in ClinVar:

NC_000002.11:g.(?_1418181)_(1546310_?)del

Gene: TPO (thyroid peroxidase; plus strand). Cytogenetic location: 2p25.3.
Variant type: Deletion.
Identifiers: ClinVar variation 3247465 (VCV003247465.1).

ClinVar aggregate classification (germline): Pathogenic (1 of 4 stars; one submission).

Submission:

Labcorp Genetics (formerly Invitae), Labcorp
Classification: Pathogenic. Last evaluated: 2023-10-09. Review status: criteria provided, single submitter. Criteria: Invitae Variant Classification Sherloc (09022015). Collection method: clinical testing. Allele origin: unknown.
Comment: A gross deletion of the genomic region encompassing the full coding sequence of the TPO gene has been identified. Loss-of-function variants in TPO are known to be pathogenic (PMID: 11061528, 23236987, 25564141). The boundaries of this event are unknown as they extend beyond the assayed region for this gene and therefore may encompass additional genes. This variant has not been reported in the literature in individuals affected with TPO-related conditions. For these reasons, this variant has been classified as Pathogenic.

Literature cited by the submitters: PubMed 11061528; PubMed 23236987; PubMed 25564141.